The following is an entry in ClinVar:

ClinVar aggregate classification (germline): Uncertain significance (1 of 4 stars; one submission).

Conditions:
Inborn genetic diseases. Identifiers: MedGen C0950123, MeSH D030342.

Submission:

Ambry Genetics
Classification: Uncertain significance for Inborn genetic diseases. Last evaluated: 2025-06-16. Review status: criteria provided, single submitter. Criteria: Ambry Variant Classification Scheme 2023. Collection method: clinical testing. Allele origin: germline.
Comment: The p.D97Y variant (also known as c.289G>T), located in coding exon 3 of the USB1 gene, results from a G to T substitution at nucleotide position 289. The aspartic acid at codon 97 is replaced by tyrosine, an amino acid with highly dissimilar properties. This amino acid position is conserved. In addition, this alteration is predicted to be tolerated by in silico analysis. Based on the available evidence, the clinical significance of this variant remains unclear.

NM_024598.4(USB1):c.289G>T (p.Asp97Tyr)

Gene: USB1 (U6 snRNA biogenesis phosphodiesterase 1; plus strand). Cytogenetic location: 16q21.
Variant type: single nucleotide variant.
Coding change: c.289G>T on transcript NM_024598.4 (MANE Select); coding-DNA position 289, G replaced by T.
Protein change: p.Asp97Tyr; replaces aspartic acid 97 with tyrosine.
Molecular consequence: missense variant.
Genome position (GRCh38, 1-based): chr16:58,009,952, G>T. VCF-style: chr16-58009952-G-T. GRCh37 (hg19) VCF-style: chr16-58043856-G-T.
Other names: c.289G>T, p.Asp97Tyr (NM_001195302.2, NM_001204911.2, NM_001330569.2); c.136G>T, p.Asp46Tyr (NM_001330568.2); short protein forms D97Y, D46Y.
Identifiers: ClinVar variation 4196788 (VCV004196788.1).